The following is an entry in ClinVar:

ClinVar aggregate classification (germline): Uncertain significance (1 of 4 stars; one submission).

Allele frequency attached by ClinVar (database versions not stated): ExAC 0.00003; gnomAD exomes 0.00005; gnomAD 0.00008; TOPMed 0.00008.
gnomAD v4.1: 79 of 1,611,272 alleles (0.0049%); highest among the groups gnomAD compares: East Asian, 0.0045%; no homozygotes.

Submission:

Labcorp Genetics (formerly Invitae), Labcorp
Classification: Uncertain significance. Last evaluated: 2024-06-03. Review status: criteria provided, single submitter. Criteria: Invitae Variant Classification Sherloc (09022015). Collection method: clinical testing. Allele origin: germline.
Comment: This sequence change affects codon 851 of the FBN3 mRNA. It is a 'silent' change, meaning that it does not change the encoded amino acid sequence of the FBN3 protein. It affects a nucleotide within the consensus splice site. This variant is present in population databases (rs760898634, gnomAD 0.1%), and has an allele count higher than expected for a pathogenic variant. This variant has not been reported in the literature in individuals affected with FBN3-related conditions. ClinVar contains an entry for this variant (Variation ID: 1900398). Algorithms developed to predict the effect of sequence changes on RNA splicing suggest that this variant is not likely to affect RNA splicing. In summary, the available evidence is currently insufficient to determine the role of this variant in disease. Therefore, it has been classified as a Variant of Uncertain Significance.

NM_032447.5(FBN3):c.2553C>T (p.Ile851=)

Gene: FBN3 (fibrillin 3; minus strand). Cytogenetic location: 19p13.2.
Variant type: single nucleotide variant.
Coding change: c.2553C>T on transcript NM_032447.5 (MANE Select); coding-DNA position 2553, C replaced by T.
Protein change: p.Ile851=; no amino-acid change (isoleucine 851 retained).
Molecular consequence: synonymous variant.
Genome position (GRCh38, 1-based): chr19:8,126,469, G>A on the plus strand (C>T on the coding strand, the complement: FBN3 is on the minus strand). VCF-style: chr19-8126469-G-A. GRCh37 (hg19) VCF-style: chr19-8191353-G-A.
Other names: c.2553C>T, p.Ile851= (NM_001321431.2).
Identifiers: ClinVar variation 1900398 (VCV001900398.5), dbSNP rs760898634, ClinGen allele CA9152847.